The following is an entry in ClinVar:

ClinVar aggregate classification (germline): Benign/Likely benign. Review status: criteria provided, multiple submitters, no conflicts (2 of 4 stars). 2 submissions from 2 submitters: Benign (1); Likely benign (1). Last evaluated 2024-10-09.

Allele frequency attached by ClinVar (database versions not stated): ExAC 0.00001; gnomAD 0.00001; TOPMed 0.00002.
gnomAD v4.1: 26 of 1,613,276 alleles (0.0016%); highest among the groups gnomAD compares: East Asian, 0.011%; no homozygotes.

Submissions (2):

Labcorp Genetics (formerly Invitae), Labcorp
Classification: Benign. Last evaluated: 2024-10-09. Review status: criteria provided, single submitter. Criteria: Invitae Variant Classification Sherloc (09022015). Collection method: clinical testing. Allele origin: germline.

CeGaT Center for Human Genetics Tuebingen
Classification: Likely benign. Last evaluated: 2024-08-01. Review status: criteria provided, single submitter. Criteria: CeGaT Center For Human Genetics Tuebingen Variant Classification Criteria Version 2. Collection method: clinical testing. Allele origin: germline. Affected: yes. Observed: 1 variant allele.
Comment: KMT2B: BP4, BP7

NM_014727.3(KMT2B):c.2292G>A (p.Pro764=)

Gene: KMT2B (lysine methyltransferase 2B; plus strand). Cytogenetic location: 19q13.12.
Variant type: single nucleotide variant.
Coding change: c.2292G>A on transcript NM_014727.3 (MANE Select); coding-DNA position 2292, G replaced by A.
Protein change: p.Pro764=; no amino-acid change (proline 764 retained).
Molecular consequence: synonymous variant.
Genome position (GRCh38, 1-based): chr19:35,721,639, G>A. VCF-style: chr19-35721639-G-A. GRCh37 (hg19) VCF-style: chr19-36212541-G-A.
Identifiers: ClinVar variation 2072753 (VCV002072753.20), dbSNP rs754973562, ClinGen allele CA9384400.